The following is an entry in ClinVar:

ClinVar aggregate classification (germline): Uncertain significance (1 of 4 stars; one submission).

Conditions:
Congenital sensory neuropathy with selective loss of small myelinated fibers (HSAN5). Also called: HSAN Type V. Identifiers: Orphanet 64752, MedGen C0020075, MONDO:0012092, OMIM 608654.

Submission:

Labcorp Genetics (formerly Invitae), Labcorp
Classification: Uncertain significance for Congenital sensory neuropathy with selective loss of small myelinated fibers. Last evaluated: 2019-09-24. Review status: criteria provided, single submitter. Criteria: Invitae Variant Classification Sherloc (09022015). Collection method: clinical testing. Allele origin: germline.
Comment: In summary, the available evidence is currently insufficient to determine the role of this variant in disease. Therefore, it has been classified as a Variant of Uncertain Significance. This variant disrupts the p.Arg221 (also known as p.Arg100 in the literature) amino acid residue in NGF. Other variant(s) that disrupt this residue have been determined to be pathogenic (PMID: 14976160, 18420729, 19038341, 19945432, 20978020, 21387003). This suggests that this residue is clinically significant, and that variants that disrupt this residue are likely to be disease-causing. Algorithms developed to predict the effect of missense changes on protein structure and function (SIFT, PolyPhen-2, Align-GVGD) all suggest that this variant is likely to be disruptive, but these predictions have not been confirmed by published functional studies and their clinical significance is uncertain. This variant has not been reported in the literature in individuals with NGF-related conditions. This variant is not present in population databases (ExAC no frequency). This sequence change replaces arginine with leucine at codon 221 of the NGF protein (p.Arg221Leu). The arginine residue is highly conserved and there is a moderate physicochemical difference between arginine and leucine.

Literature cited by the submitters: PubMed 14976160; PubMed 18420729; PubMed 19038341; PubMed 19945432; PubMed 20978020; PubMed 21387003.

NM_002506.3(NGF):c.662G>T (p.Arg221Leu)

Genes: NGF (nerve growth factor; minus strand), NGF-AS1 (NGF antisense RNA 1; plus strand). Cytogenetic location: 1p13.2.
Variant type: single nucleotide variant.
Coding change: c.662G>T on transcript NM_002506.3 (MANE Select); coding-DNA position 662, G replaced by T.
Protein change: p.Arg221Leu; replaces arginine 221 with leucine.
Molecular consequence: missense variant.
Genome position (GRCh38, 1-based): chr1:115,286,134, C>A on the plus strand (G>T on the coding strand, the complement: NGF is on the minus strand). VCF-style: chr1-115286134-C-A. GRCh37 (hg19) VCF-style: chr1-115828755-C-A.
Other names: short protein forms R221L.
Identifiers: ClinVar variation 933958 (VCV000933958.9), dbSNP rs1432643322, ClinGen allele CA341836049.